The following is an entry in ClinVar:

ClinVar aggregate classification (germline): Conflicting classifications of pathogenicity. Review status: criteria provided, conflicting classifications (1 of 4 stars). 7 submissions from 7 submitters: Uncertain significance (5); Likely benign (2). Last evaluated 2025-11-11.

Conditions:
Malignant hyperthermia, susceptibility to, 1 (MHS1). Also called: RYR1-Related Malignant Hyperthermia Susceptibility; Anesthesia related hyperthermia; Malignant hyperpyrexia; Fulminating hyperpyrexia; Pharmacogenic myopathy; Malignant hyperthermia suceptibility 1. Identifiers: Orphanet 423, MedGen C2930980, MONDO:0007783, OMIM 145600.
RYR1-related disorder. Also called: RYR1-related condition; RYR1-related disorders. Identifiers: MedGen CN239331.

Allele frequency attached by ClinVar (database versions not stated): TOPMed 0.00006; ExAC 0.00007; gnomAD exomes 0.00002 and 0.00014; gnomAD 0.00001.
gnomAD v4.1: 30 of 1,614,016 alleles (0.0019%); highest among the groups gnomAD compares: East Asian, 0.058%; no homozygotes.

Submissions (7):

GeneDx
Classification: Uncertain significance. Last evaluated: 2025-11-11. Review status: criteria provided, single submitter. Criteria: GeneDx Variant Classification Process June 2021. Collection method: clinical testing. Allele origin: germline.
Comment: In silico analysis supports that this missense variant has a deleterious effect on protein structure/function; Has not been previously reported as pathogenic or benign in association with RYR1-related disorders to our knowledge; This variant is associated with the following publications: (PMID: 36484990)

Revvity Omics, Revvity
Classification: Uncertain significance. Last evaluated: 2024-06-03. Review status: criteria provided, single submitter. Criteria: ACMG Guidelines, 2015. Collection method: clinical testing. Allele origin: germline.

All of Us Research Program, National Institutes of Health
Classification: Likely benign for Malignant hyperthermia, susceptibility to, 1. Last evaluated: 2024-02-05. Review status: criteria provided, single submitter. Criteria: ACMG Guidelines, 2015. Collection method: clinical testing. Allele origin: germline. Inheritance: Autosomal dominant inheritance. Observed: 4 variant alleles, 4 heterozygotes.
Comment: This missense variant replaces glutamic acid with lysine at codon 3590 of the RYR1 protein. Computational prediction is inconclusive regarding the impact of this variant on protein structure and function (internally defined REVEL score threshold 0.5 < inconclusive < 0.7, PMID: 27666373). To our knowledge, functional studies have not been reported for this variant. This variant has not been reported in individuals affected with malignant hyperthermia in the literature. This variant has been identified in 36/282594 chromosomes in the general population by the Genome Aggregation Database (gnomAD). The available evidence is insufficient to determine the role of this variant in disease conclusively. Therefore, this variant is classified as a Variant of Uncertain Significance.

This study involves interpretation of variants in research participants for the purpose of population health screening. Participant phenotype was not available at the time of variant classification. Additional details can be found in publication PMID: 35346344, PMCID: PMC8962531

Color Diagnostics, LLC DBA Color Health
Classification: Likely benign for Malignant hyperthermia, susceptibility to, 1. Last evaluated: 2022-10-19. Review status: criteria provided, single submitter. Criteria: ACMG Guidelines, 2015. Collection method: clinical testing. Allele origin: germline.

Labcorp Genetics (formerly Invitae), Labcorp
Classification: Uncertain significance for RYR1-related disorder. Last evaluated: 2022-07-19. Review status: criteria provided, single submitter. Criteria: Invitae Variant Classification Sherloc (09022015). Collection method: clinical testing. Allele origin: germline.
Comment: This sequence change replaces glutamic acid, which is acidic and polar, with lysine, which is basic and polar, at codon 3590 of the RYR1 protein (p.Glu3590Lys). This variant is present in population databases (rs746611627, gnomAD 0.2%). This variant has not been reported in the literature in individuals affected with RYR1-related conditions. ClinVar contains an entry for this variant (Variation ID: 590372). Algorithms developed to predict the effect of missense changes on protein structure and function are either unavailable or do not agree on the potential impact of this missense change (SIFT: "Deleterious"; PolyPhen-2: "Benign"; Align-GVGD: "Class C0"). In summary, the available evidence is currently insufficient to determine the role of this variant in disease. Therefore, it has been classified as a Variant of Uncertain Significance.

AiLife Diagnostics
Classification: Uncertain significance. Last evaluated: 2020-05-08. Review status: criteria provided, single submitter. Criteria: ACMG Guidelines, 2015. Collection method: clinical testing. Allele origin: germline. Affected: yes. Observed: 1 variant allele.

PreventionGenetics, part of Exact Sciences
Classification: Uncertain significance. Last evaluated: 2016-01-20. Review status: criteria provided, single submitter. Criteria: ACMG Guidelines, 2015. Collection method: clinical testing. Allele origin: germline.

NM_000540.3(RYR1):c.10768G>A (p.Glu3590Lys)

Gene: RYR1 (ryanodine receptor 1; plus strand). Cytogenetic location: 19q13.2.
Variant type: single nucleotide variant.
Coding change: c.10768G>A on transcript NM_000540.3 (MANE Select); coding-DNA position 10768, G replaced by A.
Protein change: p.Glu3590Lys; replaces glutamic acid 3590 with lysine.
Molecular consequence: missense variant.
Genome position (GRCh38, 1-based): chr19:38,527,728, G>A. VCF-style: chr19-38527728-G-A. GRCh37 (hg19) VCF-style: chr19-39018368-G-A.
Other names: c.10753G>A, p.Glu3585Lys (NM_001042723.2); short protein forms E3590K, E3585K.
Identifiers: ClinVar variation 590372 (VCV000590372.16), dbSNP rs746611627, ClinGen allele CA054661.